The following is an entry in ClinVar:

ClinVar aggregate classification (germline): Affects (0 of 4 stars; one submission).

Conditions:
Blood group, P1PK system. Identifiers: MedGen C3549485, OMIM 111400.

Submission:

National Institute of Immunohaematology, Indian Council of Medical Research
Classification: Affects for Blood group, P1PK system. Review status: no assertion criteria provided. Collection method: research. Allele origin: inherited. Affected: yes.
Comment: The NM_017436.4, c.392C>G, is a stopgain mutation in a exon 3 of a A4GALT gene which is predicted to result in a premature stop codon, and likely results in absent or disrupted protein product (A4GALT). The anti-PP1Pk antibody has been naturally produced in p phenotype individual. These antibodies are responsible for severe hemolytic transfusion reactions (HTR) and haemolytic disease of new born (HDFN). This phenotype functionally confirmed by serological assay using preserved anti-PP1Pk antibody. This novel variant is not present in gnomAD and not reported in literature. In summary, this variant meets criteria to be classified as affecting for rare p phenotype based on an online resource .

Literature cited by the submitters: DOI 10.1111/trf.12355; DOI 10.1074/jbc.C000625200; DOI 10.1111/j.1365-2141.2004.04930.x.

NM_017436.7(A4GALT):c.392C>G (p.Ser131Ter)

Gene: A4GALT (alpha 1,4-galactosyltransferase (P1PK blood group); minus strand). Cytogenetic location: 22q13.2.
Variant type: single nucleotide variant.
Coding change: c.392C>G on transcript NM_017436.7 (MANE Select); coding-DNA position 392, C replaced by G.
Protein change: p.Ser131Ter; replaces serine 131 with a stop codon.
Molecular consequence: nonsense.
Genome position (GRCh38, 1-based): chr22:42,693,560, G>C on the plus strand (C>G on the coding strand, the complement: A4GALT is on the minus strand). VCF-style: chr22-42693560-G-C. GRCh37 (hg19) VCF-style: chr22-43089566-G-C.
Other names: c.392C>G, p.Ser131Ter (NM_001318038.3); short protein forms S131*.
Identifiers: ClinVar variation 3358860 (VCV003358860.1).